The following is an entry in ClinVar:

ClinVar aggregate classification (germline): Uncertain significance (1 of 4 stars; one submission).

Allele frequency attached by ClinVar (database versions not stated): TOPMed below 0.00001.
gnomAD v4.1: 1 of 1,613,964 alleles (0.000062%); highest among the groups gnomAD compares: Non-Finnish European, 0.000085%; no homozygotes.

Submission:

GeneDx
Classification: Uncertain significance. Last evaluated: 2021-04-21. Review status: criteria provided, single submitter. Criteria: GeneDx Variant Classification Process June 2021. Collection method: clinical testing. Allele origin: germline. Affected: yes.
Comment: Not observed in large population cohorts (Lek et al., 2016); In silico analysis supports that this missense variant does not alter protein structure/function; Has not been previously published as pathogenic or benign to our knowledge

NM_000070.3(CAPN3):c.1495C>G (p.Leu499Val)

Gene: CAPN3 (calpain 3; plus strand). Cytogenetic location: 15q15.1.
Variant type: single nucleotide variant.
Coding change: c.1495C>G on transcript NM_000070.3 (MANE Select); coding-DNA position 1495, C replaced by G.
Protein change: p.Leu499Val; replaces leucine 499 with valine.
Molecular consequence: missense variant.
Genome position (GRCh38, 1-based): chr15:42,401,781, C>G. VCF-style: chr15-42401781-C-G. GRCh37 (hg19) VCF-style: chr15-42693979-C-G.
Other names: c.1495C>G, p.Leu499Val (NM_024344.2); c.1351C>G, p.Leu451Val (NM_173087.2); short protein forms L451V, L499V.
Identifiers: ClinVar variation 1314596 (VCV001314596.2), dbSNP rs1595837194, ClinGen allele CA391999957.